The following is an entry in ClinVar:

NM_000383.4(AIRE):c.545A>C (p.Gln182Pro)

Gene: AIRE (autoimmune regulator; plus strand). Cytogenetic location: 21q22.3.
Variant type: single nucleotide variant.
Coding change: c.545A>C on transcript NM_000383.4 (MANE Select); coding-DNA position 545, A replaced by C.
Protein change: p.Gln182Pro; replaces glutamine 182 with proline.
Molecular consequence: missense variant.
Genome position (GRCh38, 1-based): chr21:44,288,351, A>C. VCF-style: chr21-44288351-A-C. GRCh37 (hg19) VCF-style: chr21-45708234-A-C.
Other names: short protein forms Q182P.
Identifiers: ClinVar variation 847607 (VCV000847607.10), dbSNP rs2040502920, ClinGen allele CA410424070.

ClinVar aggregate classification (germline): Uncertain significance. Review status: criteria provided, multiple submitters, no conflicts (2 of 4 stars). 2 submissions from 2 submitters: Uncertain significance (2). Last evaluated 2022-02-09.

Conditions:
Polyglandular autoimmune syndrome, type 1 (APS1). Also called: AUTOIMMUNE POLYENDOCRINE SYNDROME, TYPE I, WITH OR WITHOUT REVERSIBLE METAPHYSEAL DYSPLASIA; Autoimmune polyendocrinopathy syndrome, type I; Autoimmune polyendocrinopathy syndrome , type I, with or without reversible metaphyseal dysplasia; Autoimmune polyendocrine syndrome type 1; APS I; HYPOADRENOCORTICISM WITH HYPOPARATHYROIDISM AND SUPERFICIAL MONILIASIS. Identifiers: Orphanet 3453, MedGen C0085859, MONDO:0009411, OMIM 240300.

Allele frequency attached by ClinVar (database versions not stated): TOPMed below 0.00001.

Submissions (2):

GeneDx
Classification: Uncertain significance. Last evaluated: 2022-02-09. Review status: criteria provided, single submitter. Criteria: GeneDx Variant Classification Process June 2021. Collection method: clinical testing. Allele origin: germline. Affected: yes.
Comment: Not observed at significant frequency in large population cohorts (gnomAD); In silico analysis supports that this missense variant has a deleterious effect on protein structure/function; Has not been previously published as pathogenic or benign to our knowledge

Labcorp Genetics (formerly Invitae), Labcorp
Classification: Uncertain significance for Polyglandular autoimmune syndrome, type 1. Last evaluated: 2020-01-24. Review status: criteria provided, single submitter. Criteria: Invitae Variant Classification Sherloc (09022015). Collection method: clinical testing. Allele origin: germline.
Comment: Algorithms developed to predict the effect of missense changes on protein structure and function are either unavailable or do not agree on the potential impact of this missense change (SIFT: "Deleterious"; PolyPhen-2: "Probably Damaging"; Align-GVGD: "Class C15"). In summary, the available evidence is currently insufficient to determine the role of this variant in disease. Therefore, it has been classified as a Variant of Uncertain Significance. This variant has not been reported in the literature in individuals with AIRE-related conditions. This sequence change replaces glutamine with proline at codon 182 of the AIRE protein (p.Gln182Pro). The glutamine residue is highly conserved and there is a moderate physicochemical difference between glutamine and proline. This variant is not present in population databases (ExAC no frequency).